The following is an entry in ClinVar:

ClinVar aggregate classification (germline): Uncertain significance (1 of 4 stars; one submission).

Submission:

GeneDx
Classification: Uncertain significance. Last evaluated: 2022-03-09. Review status: criteria provided, single submitter. Criteria: GeneDx Variant Classification Process June 2021. Collection method: clinical testing. Allele origin: germline. Affected: yes.
Comment: Not observed at significant frequency in large population cohorts (gnomAD); In silico analysis supports that this missense variant has a deleterious effect on protein structure/function; Has not been previously published as pathogenic or benign to our knowledge

NM_145331.3(MAP3K7):c.559A>T (p.Thr187Ser)

Gene: MAP3K7 (mitogen-activated protein kinase kinase kinase 7; minus strand). Cytogenetic location: 6q15.
Variant type: single nucleotide variant.
Coding change: c.559A>T on transcript NM_145331.3 (MANE Select); coding-DNA position 559, A replaced by T.
Protein change: p.Thr187Ser; replaces threonine 187 with serine.
Molecular consequence: missense variant.
Genome position (GRCh38, 1-based): chr6:90,556,548, T>A on the plus strand (A>T on the coding strand, the complement: MAP3K7 is on the minus strand). VCF-style: chr6-90556548-T-A. GRCh37 (hg19) VCF-style: chr6-91266267-T-A.
Other names: c.559A>T, p.Thr187Ser (NM_003188.4, NM_145332.3, NM_145333.3); short protein forms T187S.
Identifiers: ClinVar variation 1704983 (VCV001704983.2), dbSNP rs2481830663, ClinGen allele CA365013760.